The following is an entry in ClinVar:

ClinVar aggregate classification (germline): Likely benign (0 of 4 stars; one submission).

Conditions:
THSD1-related disorder. Also called: THSD1-related condition.

Allele frequency attached by ClinVar (database versions not stated): gnomAD 0.00006; TOPMed 0.00017; gnomAD exomes 0.00020; ExAC 0.00041.
gnomAD v4.1: 130 of 1,614,076 alleles (0.0081%); highest among the groups gnomAD compares: Admixed American, 0.21%; 1 homozygote.

Submission:

PreventionGenetics, part of Exact Sciences
Classification: Likely benign for THSD1-related condition. Last evaluated: 2019-09-23. Review status: no assertion criteria provided. Collection method: clinical testing. Allele origin: germline.
Comment: This variant is classified as likely benign based on ACMG/AMP sequence variant interpretation guidelines (Richards et al. 2015 PMID: 25741868, with internal and published modifications).

NM_018676.4(THSD1):c.681C>T (p.Val227=)

Gene: THSD1 (thrombospondin type 1 domain containing 1; minus strand). Cytogenetic location: 13q14.3.
Variant type: single nucleotide variant.
Coding change: c.681C>T on transcript NM_018676.4 (MANE Select); coding-DNA position 681, C replaced by T.
Protein change: p.Val227=; no amino-acid change (valine 227 retained).
Molecular consequence: synonymous variant.
Genome position (GRCh38, 1-based): chr13:52,397,572, G>A on the plus strand (C>T on the coding strand, the complement: THSD1 is on the minus strand). VCF-style: chr13-52397572-G-A. GRCh37 (hg19) VCF-style: chr13-52971707-G-A.
Other names: c.681C>T, p.Val227= (NM_199263.3).
Identifiers: ClinVar variation 3040967 (VCV003040967.2), dbSNP rs776724359, ClinGen allele CA6992159.